The following is an entry in ClinVar:

ClinVar aggregate classification (germline): Uncertain significance (1 of 4 stars; one submission).

Conditions:
Inborn genetic diseases. Identifiers: MedGen C0950123, MeSH D030342.

Submission:

Ambry Genetics
Classification: Uncertain significance for Inborn genetic diseases. Last evaluated: 2026-09-08. Review status: criteria provided, single submitter. Criteria: Ambry Variant Classification Scheme 2023. Collection method: clinical testing. Allele origin: germline.
Comment: The p.F238I variant (also known as c.712T>A), located in coding exon 8 of the FANCA gene, results from a T to A substitution at nucleotide position 712. The phenylalanine at codon 238 is replaced by isoleucine, an amino acid with highly similar properties. This amino acid position is conserved. In addition, this alteration is predicted to be tolerated by in silico analysis. Based on the available evidence, the clinical significance of this variant remains unclear.

NM_000135.4(FANCA):c.712T>A (p.Phe238Ile)

Gene: FANCA (FA complementation group A; minus strand). Cytogenetic location: 16q24.3.
Variant type: single nucleotide variant.
Coding change: c.712T>A on transcript NM_000135.4 (MANE Select); coding-DNA position 712, T replaced by A.
Protein change: p.Phe238Ile; replaces phenylalanine 238 with isoleucine.
Molecular consequence: missense variant.
Genome position (GRCh38, 1-based): chr16:89,803,339, A>T on the plus strand (T>A on the coding strand, the complement: FANCA is on the minus strand). VCF-style: chr16-89803339-A-T. GRCh37 (hg19) VCF-style: chr16-89869747-A-T.
Other names: c.712T>A, p.Phe238Ile (NM_001018112.3, NM_001286167.3); c.616T>A, p.Phe206Ile (NM_001351830.2); short protein forms F206I, F238I.
Identifiers: ClinVar variation 5036448 (VCV005036448.1).